The following is an entry in ClinVar:

NM_001365902.3(NFIX):c.362G>A (p.Arg121His)

Gene: NFIX (nuclear factor I X; plus strand). Cytogenetic location: 19p13.13.
Variant type: single nucleotide variant.
Coding change: c.362G>A on transcript NM_001365902.3 (MANE Select); coding-DNA position 362, G replaced by A.
Protein change: p.Arg121His; replaces arginine 121 with histidine.
Molecular consequence: missense variant.
Genome position (GRCh38, 1-based): chr19:13,025,355, G>A. VCF-style: chr19-13025355-G-A. GRCh37 (hg19) VCF-style: chr19-13136169-G-A.
Other names: c.386G>A, p.Arg129His (NM_001271043.2); c.338G>A, p.Arg113His (NM_001271044.3, NM_001378404.1); c.362G>A, p.Arg121His (NM_001365982.2, NM_002501.4); c.221G>A, p.Arg74His (NM_001365983.2); c.359G>A, p.Arg120His (NM_001365984.2, NM_001365985.2); c.410G>A, p.Arg137His (NM_001378405.1); short protein forms R120H, R121H, R74H, R113H, R129H, R137H.
Identifiers: ClinVar variation 3730909 (VCV003730909.1).
Genomic context (GRCh38, chr19:13,025,355, plus strand): 5'-CCTGCTGCGTGCTCTCCAACCCCGACCAGAAGGGCAAGATCCGGCGGATTGACTGCCTGC[G>A]CCAGGCTGACAAGGTGTGGCGGCTGGACCTGGTCATGGTGATTTTGTTTAAGGGGATCCC-3'
Protein context (NP_001352831.1, residues 111-131): KGKIRRIDCL[Arg121His]QADKVWRLDL

ClinVar aggregate classification (germline): Pathogenic (1 of 4 stars; one submission).

Submission:

GeneDx
Classification: Pathogenic. Last evaluated: 2024-08-13. Review status: criteria provided, single submitter. Criteria: GeneDx Variant Classification Process June 2021. Collection method: clinical testing. Allele origin: germline. Affected: yes.
Comment: Not observed at significant frequency in large population cohorts (gnomAD); In silico analysis supports that this missense variant has a deleterious effect on protein structure/function; Has not been previously published as pathogenic or benign to our knowledge; This variant is associated with the following publications: (PMID: 22982744, 25356970, 22301465)